The following is an entry in ClinVar:

ClinVar aggregate classification (germline): Uncertain significance (1 of 4 stars; one submission).

Conditions:
Werner syndrome (WRN). Identifiers: Orphanet 902, MedGen C0043119, MONDO:0010196, OMIM 277700.

Allele frequency attached by ClinVar (database versions not stated): gnomAD exomes below 0.00001.
gnomAD v4.1: 1 of 1,605,764 alleles (0.000062%); highest among the groups gnomAD compares: Non-Finnish European, 0.000085%; no homozygotes.

Submission:

Labcorp Genetics (formerly Invitae), Labcorp
Classification: Uncertain significance for Werner syndrome. Last evaluated: 2020-04-27. Review status: criteria provided, single submitter. Criteria: Invitae Variant Classification Sherloc (09022015). Collection method: clinical testing. Allele origin: germline.
Comment: This sequence change replaces tyrosine with cysteine at codon 1091 of the WRN protein (p.Tyr1091Cys). The tyrosine residue is weakly conserved and there is a large physicochemical difference between tyrosine and cysteine. This variant is not present in population databases (ExAC no frequency). This variant has not been reported in the literature in individuals with WRN-related conditions. Algorithms developed to predict the effect of missense changes on protein structure and function are either unavailable or do not agree on the potential impact of this missense change (SIFT: Not Available; PolyPhen-2: Possibly Damaging; Align-GVGD: Not Available). In summary, the available evidence is currently insufficient to determine the role of this variant in disease. Therefore, it has been classified as a Variant of Uncertain Significance.

NM_000553.6(WRN):c.3272A>G (p.Tyr1091Cys)

Gene: WRN (WRN RecQ like helicase; plus strand). Cytogenetic location: 8p12.
Variant type: single nucleotide variant.
Coding change: c.3272A>G on transcript NM_000553.6 (MANE Select); coding-DNA position 3272, A replaced by G.
Protein change: p.Tyr1091Cys; replaces tyrosine 1091 with cysteine.
Molecular consequence: missense variant.
Genome position (GRCh38, 1-based): chr8:31,142,664, A>G. VCF-style: chr8-31142664-A-G. GRCh37 (hg19) VCF-style: chr8-31000180-A-G.
Other names: short protein forms Y1091C.
Identifiers: ClinVar variation 1013803 (VCV001013803.1), dbSNP rs1802691729, ClinGen allele CA370923401.
Genomic context (GRCh38, chr8:31,142,664, plus strand): 5'-ATTTAATTTTATTATTTTTTAGTTCGAAAACTGTATCTTCGGGCACCAAAGAGCATTGTT[A>G]TAATCAAGTACCAGTTGAATTAAGTACAGAGAAGAAGGTTTGTTTTAAAGAAATTGTTCT-3'
Protein context (NP_000544.2, residues 1081-1101): TVSSGTKEHC[Tyr1091Cys]NQVPVELSTE